The following is an entry in ClinVar:

ClinVar aggregate classification (germline): Uncertain significance. Review status: criteria provided, multiple submitters, no conflicts (2 of 4 stars). 3 submissions from 3 submitters: Uncertain significance (3). Last evaluated 2025-09-19.

Conditions:
SEC23B-related disorder. Also called: SEC23B-related disorders; SEC23B-related condition.
Congenital dyserythropoietic anemia, type II (CDAN2). Also called: DYSERYTHROPOIETIC ANEMIA, HEMPAS TYPE. Identifiers: Orphanet 98873, MedGen C1306589, MONDO:0009134, OMIM 224100.
Cowden syndrome 7 (CWS7). Identifiers: Orphanet 201, MedGen C4225179, MONDO:0014802, OMIM 616858.
Inborn genetic diseases. Identifiers: MedGen C0950123, MeSH D030342.

Allele frequency attached by ClinVar (database versions not stated): TOPMed below 0.00001; gnomAD exomes 0.00001.
gnomAD v4.1: 5 of 1,611,604 alleles (0.00031%); highest among the groups gnomAD compares: Admixed American, 0.0067%; no homozygotes.

Submissions (3):

PreventionGenetics, part of Exact Sciences
Classification: Uncertain significance for SEC23B-related condition. Last evaluated: 2025-09-19. Review status: criteria provided, single submitter. Criteria: ACMG Guidelines, 2015. Collection method: clinical testing. Allele origin: germline.
Comment: The SEC23B c.1115A>G variant is predicted to result in the amino acid substitution p.Tyr372Cys. To our knowledge, this variant has not been reported in the literature. This variant is reported in 0.0087% of alleles in individuals of Latino descent in gnomAD. At this time, the clinical significance of this variant is uncertain due to the absence of conclusive functional and genetic evidence.

Ambry Genetics
Classification: Uncertain significance for Inborn genetic diseases. Last evaluated: 2025-05-14. Review status: criteria provided, single submitter. Criteria: Ambry Variant Classification Scheme 2023. Collection method: clinical testing. Allele origin: germline.

Labcorp Genetics (formerly Invitae), Labcorp
Classification: Uncertain significance for Congenital dyserythropoietic anemia, type II; Cowden syndrome 7. Last evaluated: 2023-10-18. Review status: criteria provided, single submitter. Criteria: Invitae Variant Classification Sherloc (09022015). Collection method: clinical testing. Allele origin: germline.
Comment: This sequence change replaces tyrosine, which is neutral and polar, with cysteine, which is neutral and slightly polar, at codon 372 of the SEC23B protein (p.Tyr372Cys). This variant is present in population databases (no rsID available, gnomAD 0.009%). This variant has not been reported in the literature in individuals affected with SEC23B-related conditions. ClinVar contains an entry for this variant (Variation ID: 2189614). Advanced modeling of protein sequence and biophysical properties (such as structural, functional, and spatial information, amino acid conservation, physicochemical variation, residue mobility, and thermodynamic stability) performed at Invitae indicates that this missense variant is not expected to disrupt SEC23B protein function. In summary, the available evidence is currently insufficient to determine the role of this variant in disease. Therefore, it has been classified as a Variant of Uncertain Significance.

NM_006363.6(SEC23B):c.1115A>G (p.Tyr372Cys)

Gene: SEC23B (SEC23 homolog B, COPII component; plus strand). Cytogenetic location: 20p11.23.
Variant type: single nucleotide variant.
Coding change: c.1115A>G on transcript NM_006363.6 (MANE Select); coding-DNA position 1115, A replaced by G.
Protein change: p.Tyr372Cys; replaces tyrosine 372 with cysteine.
Molecular consequence: missense variant.
Genome position (GRCh38, 1-based): chr20:18,530,685, A>G. VCF-style: chr20-18530685-A-G. GRCh37 (hg19) VCF-style: chr20-18511329-A-G.
Other names: c.1115A>G (NM_006363.4); c.1115A>G, p.Tyr372Cys (NM_001172745.3, NM_032985.6, NM_032986.5); c.1061A>G, p.Tyr354Cys (NM_001172746.3); short protein forms Y372C, Y354C.
Identifiers: ClinVar variation 2189614 (VCV002189614.6), dbSNP rs1273952544, ClinGen allele CA408361403.